The following is an entry in ClinVar:

ClinVar aggregate classification (germline): Uncertain significance (1 of 4 stars; one submission).

Conditions:
Heterotopia, periventricular, X-linked dominant (PVNH1). Also called: PERIVENTRICULAR NODULAR HETEROTOPIA 4; HETEROTOPIA, PERIVENTRICULAR, 1; PERIVENTRICULAR NODULAR HETEROTOPIA 1; X-linked periventricular heterotopia. Identifiers: Orphanet 2149, Orphanet 82004, MedGen C1848213, MONDO:0010233, OMIM 300049.
Melnick-Needles syndrome (MNS). Also called: MELNICK-NEEDLES OSTEODYSPLASTY; OSTEODYSPLASTY OF MELNICK AND NEEDLES; Melnick-Needles Syndrome (FLNA-MNS). Identifiers: Orphanet 2484, MedGen C0025237, MONDO:0010650, OMIM 309350.
Frontometaphyseal dysplasia (FMD1). Identifiers: Orphanet 1826, MedGen C0265293, MONDO:0015942.
Oto-palato-digital syndrome, type II (OPD2). Also called: FACIOPALATOOSSEOUS SYNDROME; OPD II SYNDROME; Otopalatodigital Syndrome, Type II; Otopalatodigital Syndrome Type 2 (FLNA-OPD2). Identifiers: Orphanet 669, Orphanet 90652, MedGen C1844696, MONDO:0010571, OMIM 304120.

gnomAD v4.1: 3 of 1,211,118 alleles (0.00025%); highest among the groups gnomAD compares: East Asian, 0.003%; no homozygotes.

Submission:

Labcorp Genetics (formerly Invitae), Labcorp
Classification: Uncertain significance for Oto-palato-digital syndrome, type II; Heterotopia, periventricular, X-linked dominant; Frontometaphyseal dysplasia; Melnick-Needles syndrome. Last evaluated: 2025-01-01. Review status: criteria provided, single submitter. Criteria: Invitae Variant Classification Sherloc (09022015). Collection method: clinical testing. Allele origin: germline.
Comment: This sequence change replaces valine, which is neutral and non-polar, with isoleucine, which is neutral and non-polar, at codon 723 of the FLNA protein (p.Val723Ile). This variant is not present in population databases (gnomAD no frequency). This variant has not been reported in the literature in individuals affected with FLNA-related conditions. ClinVar contains an entry for this variant (Variation ID: 1373851). Invitae Evidence Modeling of protein sequence and biophysical properties (such as structural, functional, and spatial information, amino acid conservation, physicochemical variation, residue mobility, and thermodynamic stability) indicates that this missense variant is not expected to disrupt FLNA protein function with a negative predictive value of 95%. In summary, the available evidence is currently insufficient to determine the role of this variant in disease. Therefore, it has been classified as a Variant of Uncertain Significance.

NM_001110556.2(FLNA):c.2167G>A (p.Val723Ile)

Gene: FLNA (filamin A; minus strand). Cytogenetic location: Xq28.
Variant type: single nucleotide variant.
Coding change: c.2167G>A on transcript NM_001110556.2 (MANE Select); coding-DNA position 2167, G replaced by A.
Protein change: p.Val723Ile; replaces valine 723 with isoleucine.
Molecular consequence: missense variant.
Genome position (GRCh38, 1-based): chrX:154,364,135, C>T on the plus strand (G>A on the coding strand, the complement: FLNA is on the minus strand). VCF-style: chrX-154364135-C-T. GRCh37 (hg19) VCF-style: chrX-153592503-C-T.
Other names: c.2167G>A, p.Val723Ile (NM_001456.4); short protein forms V723I.
Identifiers: ClinVar variation 1373851 (VCV001373851.8), dbSNP rs2148115805, ClinGen allele CA415238135.
Genomic context (GRCh38, chrX:154,364,135, plus strand): 5'-GCTTCACCGGCTTCCTGGGCACGTAGGAGCAGCTGTAAGTGCCATTGCCGTTGTCCTTGA[C>T]CAACGCCTCCACAGGGCAGCCTTCATTGTCCTGTCAGGCAGATAGGAGCAGGTGGCCTGC-3'
Protein context (NP_001104026.1, residues 713-733): DNEGCPVEAL[Val723Ile]KDNGNGTYSC